The following is an entry in ClinVar:

ClinVar aggregate classification (germline): Uncertain significance (1 of 4 stars; one submission).

Allele frequency attached by ClinVar (database versions not stated): gnomAD exomes below 0.00001; ExAC 0.00001.
gnomAD v4.1: 1 of 1,612,884 alleles (0.000062%); highest among the groups gnomAD compares: Non-Finnish European, 0.000085%; no homozygotes.

Submission:

Labcorp Genetics (formerly Invitae), Labcorp
Classification: Uncertain significance. Last evaluated: 2021-11-04. Review status: criteria provided, single submitter. Criteria: Invitae Variant Classification Sherloc (09022015). Collection method: clinical testing. Allele origin: germline.
Comment: Algorithms developed to predict the effect of sequence changes on RNA splicing suggest that this variant may create or strengthen a splice site. This sequence change replaces alanine, which is neutral and non-polar, with valine, which is neutral and non-polar, at codon 5961 of the ADGRV1 protein (p.Ala5961Val). This variant is present in population databases (rs756940722, gnomAD 0.0009%). This variant has not been reported in the literature in individuals affected with ADGRV1-related conditions. Algorithms developed to predict the effect of missense changes on protein structure and function output the following: SIFT: "Tolerated"; PolyPhen-2: "Benign"; Align-GVGD: "Class C0". The valine amino acid residue is found in multiple mammalian species, which suggests that this missense change does not adversely affect protein function. In summary, the available evidence is currently insufficient to determine the role of this variant in disease. Therefore, it has been classified as a Variant of Uncertain Significance.

NM_032119.4(ADGRV1):c.17882C>T (p.Ala5961Val)

Gene: ADGRV1 (adhesion G protein-coupled receptor V1; plus strand). Cytogenetic location: 5q14.3.
Variant type: single nucleotide variant.
Coding change: c.17882C>T on transcript NM_032119.4 (MANE Select); coding-DNA position 17882, C replaced by T.
Protein change: p.Ala5961Val; replaces alanine 5961 with valine.
Molecular consequence: missense variant. On other transcripts: non-coding transcript variant (1).
Genome position (GRCh38, 1-based): chr5:90,965,440, C>T. VCF-style: chr5-90965440-C-T. GRCh37 (hg19) VCF-style: chr5-90261257-C-T.
Other names: short protein forms A5961V.
Identifiers: ClinVar variation 1424450 (VCV001424450.6), dbSNP rs756940722, ClinGen allele CA3342497.